The following is an entry in ClinVar:

NM_000551.4(VHL):c.*1060C>T

Genes: VHL (von Hippel-Lindau tumor suppressor; plus strand), LOC107303340 (3p25 von Hippel-Lindau tumor suppressor, E3 ubiquitin protein ligase Alu-mediated recombination region; plus strand). Cytogenetic location: 3p25.3.
Variant type: single nucleotide variant.
Coding change: c.*1060C>T on transcript NM_000551.4 (MANE Select); 1060 bases downstream of the stop codon, C replaced by T.
Molecular consequence: 3 prime UTR variant.
Genome position (GRCh38, 1-based): chr3:10,151,025, C>T. VCF-style: chr3-10151025-C-T. GRCh37 (hg19) VCF-style: chr3-10192709-C-T.
Other names: c.*1256C>T (NM_001354723.2); c.*1060C>T (NM_198156.3).
Identifiers: ClinVar variation 342425 (VCV000342425.6), dbSNP rs1681668, ClinGen allele CA10616671.
Genomic context (GRCh38, chr3:10,151,025, plus strand): 5'-CTCACTGCAACCTCTGCCTCCTGGGTTCACGTAATCCTCCTGAGTAGCTGGGATTACAGG[C>T]GCCTGCCACCACGCTGGCCAATTTTTGTACTTTTAGTAGAGACAGTGTTTCGTCATGTTG-3'

ClinVar aggregate classification (germline): Benign. Review status: criteria provided, multiple submitters, no conflicts (2 of 4 stars). 2 submissions from 2 submitters: Benign (2). Last evaluated 2018-01-12.

Conditions:
Von Hippel-Lindau syndrome (VHLS). Also called: Von Hippel-Lindau; von Hippel–Lindau syndrome; VHL syndrome. Identifiers: Orphanet 892, MedGen C0019562, MONDO:0008667, OMIM 193300. Disease mechanism: loss of function.

Allele frequency attached by ClinVar (database versions not stated): 1000 Genomes Project 30x 0.54263; 1000 Genomes Project 0.55671; TOPMed 0.55932; gnomAD 0.57297 and 0.57864; gnomAD exomes 0.67582.
gnomAD v4.1: 115,698 of 193,094 alleles (60%); highest among the groups gnomAD compares: East Asian, 75%; 37,563 homozygotes.

Submissions (2):

Illumina Laboratory Services, Illumina
Classification: Benign for Von Hippel-Lindau syndrome. Last evaluated: 2018-01-12. Review status: criteria provided, single submitter. Criteria: ICSL Variant Classification Criteria 13 December 2019. Collection method: clinical testing. Allele origin: germline.
Comment: This variant was observed in the ICSL laboratory as part of a predisposition screen in an ostensibly healthy population. It had not been previously curated by ICSL or reported in the Human Gene Mutation Database (HGMD: prior to June 1st, 2018), and was therefore a candidate for classification through an automated scoring system. Utilizing variant allele frequency, disease prevalence and penetrance estimates, and inheritance mode, an automated score was calculated to assess if this variant is too frequent to cause the disease. Based on the score and internal cut-off values, a variant classified as benign is not then subjected to further curation. The score for this variant resulted in a classification of benign for this disease.

Breakthrough Genomics
Classification: Benign. Review status: criteria provided, single submitter. Criteria: ACMG Guidelines, 2015. Collection method: not provided. Allele origin: germline. Inheritance: Autosomal recessive inheritance. Affected: yes.